The following is an entry in ClinVar:

ClinVar aggregate classification (germline): Pathogenic (1 of 4 stars; one submission).

Conditions:
Arthrogryposis, distal, with impaired proprioception and touch (DAIPT). Identifiers: MedGen C4310692, MONDO:0014941, OMIM 617146.

Submission:

University of Washington Department of Laboratory Medicine, University of Washington
Classification: Pathogenic for Arthrogryposis, distal, with impaired proprioception and touch. Last evaluated: 2021-10-14. Review status: criteria provided, single submitter. Criteria: ACMG Guidelines, 2015. Collection method: clinical testing. Allele origin: maternal. Affected: yes.
Comment: This variant leads to a premature stop codon in exon 23 of 52 exons and is predicted to undergo nonsense-mediated decay resulting in a truncated or absent protein. These predictions have not been tested directly. Using ACMG guidelines, this variant was classified as pathogenic for autosomal recessive distal arthrogryposis with impaired proprioception and touch (ACMG evidence codes used: PVS1, PM2_supporting, PM3).

NM_001378183.1(PIEZO2):c.3627C>A (p.Cys1209Ter)

Gene: PIEZO2 (piezo type mechanosensitive ion channel component 2; minus strand). Cytogenetic location: 18p11.22.
Variant type: single nucleotide variant.
Coding change: c.3627C>A on transcript NM_001378183.1 (MANE Select); coding-DNA position 3627, C replaced by A.
Protein change: p.Cys1209Ter; replaces cysteine 1209 with a stop codon.
Molecular consequence: nonsense.
Genome position (GRCh38, 1-based): chr18:10,759,733, G>T on the plus strand (C>A on the coding strand, the complement: PIEZO2 is on the minus strand). VCF-style: chr18-10759733-G-T. GRCh37 (hg19) VCF-style: chr18-10759731-G-T.
Other names: c.3627C>A, p.Cys1209Ter (NM_001410871.1); c.3552C>A, p.Cys1184Ter (NM_022068.4); c.3552C>A (NM_022068.3); short protein forms C1184*, C1209*.
Identifiers: ClinVar variation 3777098 (VCV003777098.1).